The following is an entry in ClinVar:

ClinVar aggregate classification (germline): Uncertain significance (1 of 4 stars; one submission).

gnomAD v4.1: 1 of 1,568,160 alleles (0.000064%); no homozygotes.

Submission:

GeneDx
Classification: Uncertain significance. Last evaluated: 2019-07-30. Review status: criteria provided, single submitter. Criteria: GeneDx Variant Classification Process June 2021. Collection method: clinical testing. Allele origin: germline. Affected: yes.
Comment: Not observed in large population cohorts (Lek et al., 2016); In silico analysis, which includes protein predictors and evolutionary conservation, supports a deleterious effect; Has not been previously published as pathogenic or benign to our knowledge

NM_001271938.2(MEGF8):c.7003G>A (p.Glu2335Lys)

Gene: MEGF8 (multiple EGF like domains 8; plus strand). Cytogenetic location: 19q13.2.
Variant type: single nucleotide variant.
Coding change: c.7003G>A on transcript NM_001271938.2 (MANE Select); coding-DNA position 7003, G replaced by A.
Protein change: p.Glu2335Lys; replaces glutamic acid 2335 with lysine.
Molecular consequence: missense variant.
Genome position (GRCh38, 1-based): chr19:42,370,357, G>A. VCF-style: chr19-42370357-G-A. GRCh37 (hg19) VCF-style: chr19-42874509-G-A.
Other names: c.6802G>A, p.Glu2268Lys (NM_001410.3); short protein forms E2268K, E2335K.
Identifiers: ClinVar variation 1304797 (VCV001304797.2), dbSNP rs2147509511, ClinGen allele CA406136746.
Genomic context (GRCh38, chr19:42,370,357, plus strand): 5'-TCCAGGAAGGAGTTACAAATGTCCAAGGGAGAGCCAAAGAAGTACTCACTGGACCCAGAG[G>A]AGGTGAAAGAGAGGGGTCAGATGCCTGGGTCTGAGGGAGGAGGGGCTGGGGAGCTCCTGG-3'
Protein context (NP_001258867.1, residues 2325-2345): EPKKYSLDPE[Glu2335Lys]IENWVTEGPS